The following is an entry in ClinVar:

NM_003839.4(TNFRSF11A):c.1054A>G (p.Arg352Gly)

Gene: TNFRSF11A (TNF receptor superfamily member 11a; plus strand). Cytogenetic location: 18q21.33.
Variant type: single nucleotide variant.
Coding change: c.1054A>G on transcript NM_003839.4 (MANE Select); coding-DNA position 1054, A replaced by G.
Protein change: p.Arg352Gly; replaces arginine 352 with glycine.
Molecular consequence: missense variant. On other transcripts: intron variant (3).
Genome position (GRCh38, 1-based): chr18:62,368,971, A>G. VCF-style: chr18-62368971-A-G. GRCh37 (hg19) VCF-style: chr18-60036204-A-G.
Other names: c.1012A>G, p.Arg338Gly (NM_001278268.2); c.783+2211A>G (NM_001270949.2); c.730+7178A>G (NM_001270950.2); c.616+8922A>G (NM_001270951.2); short protein forms R338G, R352G.
Identifiers: ClinVar variation 1354871 (VCV001354871.7), dbSNP rs2145355776, ClinGen allele CA402616892.

ClinVar aggregate classification (germline): Uncertain significance. Review status: criteria provided, multiple submitters, no conflicts (2 of 4 stars). 2 submissions from 2 submitters: Uncertain significance (2). Last evaluated 2024-01-02.

Conditions:
Autosomal recessive osteopetrosis 7. Identifiers: Orphanet 178389, MedGen C2676766, MONDO:0012859, OMIM 612301.
Paget disease of bone 2, early-onset (PDB2). Also called: Paget disease of bone 2. Identifiers: MedGen C4085251, MONDO:0011183, OMIM 602080.
Familial expansile osteolysis (FEO). Also called: MCCABE DISEASE; POLYOSTOTIC OSTEOLYTIC DYSPLASIA, HEREDITARY EXPANSILE. Identifiers: Orphanet 85195, MedGen C0432292, MONDO:0008275, OMIM 174810.

Submissions (2):

Fulgent Genetics
Classification: Uncertain significance for Familial expansile osteolysis; Paget disease of bone 2, early-onset; Autosomal recessive osteopetrosis 7. Last evaluated: 2024-01-02. Review status: criteria provided, single submitter. Criteria: ACMG Guidelines, 2015. Collection method: clinical testing. Allele origin: germline.

Labcorp Genetics (formerly Invitae), Labcorp
Classification: Uncertain significance. Last evaluated: 2022-08-23. Review status: criteria provided, single submitter. Criteria: Invitae Variant Classification Sherloc (09022015). Collection method: clinical testing. Allele origin: germline.
Comment: This sequence change replaces arginine, which is basic and polar, with glycine, which is neutral and non-polar, at codon 352 of the TNFRSF11A protein (p.Arg352Gly). This variant is not present in population databases (gnomAD no frequency). This variant has not been reported in the literature in individuals affected with TNFRSF11A-related conditions. ClinVar contains an entry for this variant (Variation ID: 1354871). Algorithms developed to predict the effect of missense changes on protein structure and function are either unavailable or do not agree on the potential impact of this missense change (SIFT: "Deleterious"; PolyPhen-2: "Probably Damaging"; Align-GVGD: "Class C0"). In summary, the available evidence is currently insufficient to determine the role of this variant in disease. Therefore, it has been classified as a Variant of Uncertain Significance.